The following is an entry in ClinVar:

ClinVar aggregate classification (germline): Pathogenic (1 of 4 stars; one submission).

Conditions:
Retinitis pigmentosa 12 (RP12). Also called: RP WITH OR WITHOUT PPRPE; RP WITH OR WITHOUT PRESERVED PARAARTERIOLE RETINAL PIGMENT EPITHELIUM; RETINITIS PIGMENTOSA WITH OR WITHOUT PARAARTERIOLAR PRESERVATION OF RETINAL PIGMENT EPITHELIUM. Identifiers: Orphanet 791, MedGen C1838647, MONDO:0010818, OMIM 600105.
Leber congenital amaurosis 8 (LCA8). Identifiers: Orphanet 65, MedGen C3151202, MONDO:0013453, OMIM 613835.

Submission:

Labcorp Genetics (formerly Invitae), Labcorp
Classification: Pathogenic for Leber congenital amaurosis 8; Retinitis pigmentosa 12. Last evaluated: 2019-07-16. Review status: criteria provided, single submitter. Criteria: Invitae Variant Classification Sherloc (09022015). Collection method: clinical testing. Allele origin: germline.
Comment: This sequence change creates a premature translational stop signal (p.Lys1318*) in the CRB1 gene. It is expected to result in an absent or disrupted protein product. This variant is not present in population databases (ExAC no frequency). This variant has not been reported in the literature in individuals with CRB1-related conditions. Loss-of-function variants in CRB1 are known to be pathogenic (PMID: 10508521, 22065545, 23379534, 25412400, 26957898, 28041643, 29391521). For these reasons, this variant has been classified as Pathogenic.

Literature cited by the submitters: PubMed 10508521; PubMed 22065545; PubMed 23379534; PubMed 25412400; PubMed 26957898; PubMed 28041643; PubMed 29391521.

NM_201253.3(CRB1):c.3952A>T (p.Lys1318Ter)

Gene: CRB1 (crumbs cell polarity complex component 1; plus strand). Cytogenetic location: 1q31.3.
Variant type: single nucleotide variant.
Coding change: c.3952A>T on transcript NM_201253.3 (MANE Select); coding-DNA position 3952, A replaced by T.
Protein change: p.Lys1318Ter; replaces lysine 1318 with a stop codon.
Molecular consequence: nonsense. On other transcripts: non-coding transcript variant (2).
Genome position (GRCh38, 1-based): chr1:197,442,239, A>T. VCF-style: chr1-197442239-A-T. GRCh37 (hg19) VCF-style: chr1-197411369-A-T.
Other names: c.3616A>T, p.Lys1206Ter (NM_001193640.2); c.3880A>T, p.Lys1294Ter (NM_001257965.2); c.2344A>T, p.Lys782Ter (NM_001257966.2); short protein forms K1318*, K1294*, K782*, K1206*.
Identifiers: ClinVar variation 957484 (VCV000957484.7), dbSNP rs1665482895, ClinGen allele CA344052606.